The following is an entry in ClinVar:

ClinVar aggregate classification (germline): Pathogenic (1 of 4 stars; one submission).

Allele frequency attached by ClinVar (database versions not stated): gnomAD 0.00002.

Submission:

Labcorp Genetics (formerly Invitae), Labcorp
Classification: Pathogenic. Last evaluated: 2025-04-14. Review status: criteria provided, single submitter. Criteria: Invitae Variant Classification Sherloc (09022015). Collection method: clinical testing. Allele origin: germline.
Comment: This sequence change creates a premature translational stop signal (p.Arg1070*) in the PTPN23 gene. It is expected to result in an absent or disrupted protein product. Loss-of-function variants in PTPN23 are known to be pathogenic (PMID: 29090338, 29899372). This variant is present in population databases (rs767454205, gnomAD 0.04%). This variant has not been reported in the literature in individuals affected with PTPN23-related conditions. ClinVar contains an entry for this variant (Variation ID: 2107496). For these reasons, this variant has been classified as Pathogenic.

Literature cited by the submitters: PubMed 29090338; PubMed 29899372.

NM_015466.4(PTPN23):c.3208C>T (p.Arg1070Ter)

Gene: PTPN23 (protein tyrosine phosphatase non-receptor type 23; plus strand). Cytogenetic location: 3p21.31.
Variant type: single nucleotide variant.
Coding change: c.3208C>T on transcript NM_015466.4 (MANE Select); coding-DNA position 3208, C replaced by T.
Protein change: p.Arg1070Ter; replaces arginine 1070 with a stop codon.
Molecular consequence: nonsense.
Genome position (GRCh38, 1-based): chr3:47,411,006, C>T. VCF-style: chr3-47411006-C-T. GRCh37 (hg19) VCF-style: chr3-47452496-C-T.
Other names: c.2830C>T, p.Arg944Ter (NM_001304482.2); short protein forms R1070*, R944*.
Identifiers: ClinVar variation 2107496 (VCV002107496.4), dbSNP rs767454205, ClinGen allele CA2366218.
Genomic context (GRCh38, chr3:47,411,006, plus strand): 5'-GCATATGGTCCTGCCCCTTCTACCAGACCCATGGGCCCCCAGGCAGCCCCTCTTACCATT[C>T]GAGGGCCCTCGTCTGCTGGCCAGTCCACCCCTAGTCCCCACCTGGTGCCTTCACCTGCCC-3'